The following is an entry in ClinVar:

ClinVar aggregate classification (germline): Uncertain significance (1 of 4 stars; one submission).

Conditions:
Nephronophthisis 14 (NPHP14). Identifiers: Orphanet 2318, MedGen C3539071, MONDO:0013916, OMIM 614844.

gnomAD v4.1: 1 of 1,612,678 alleles (0.000062%); no homozygotes.

Submission:

Labcorp Genetics (formerly Invitae), Labcorp
Classification: Uncertain significance for Nephronophthisis 14. Last evaluated: 2022-07-09. Review status: criteria provided, single submitter. Criteria: Invitae Variant Classification Sherloc (09022015). Collection method: clinical testing. Allele origin: germline.
Comment: In summary, the available evidence is currently insufficient to determine the role of this variant in disease. Therefore, it has been classified as a Variant of Uncertain Significance. Algorithms developed to predict the effect of missense changes on protein structure and function are either unavailable or do not agree on the potential impact of this missense change (SIFT: "Tolerated"; PolyPhen-2: "Probably Damaging"; Align-GVGD: "Class C0"). This variant has not been reported in the literature in individuals affected with ZNF423-related conditions. This variant is not present in population databases (gnomAD no frequency). This sequence change replaces glycine, which is neutral and non-polar, with arginine, which is basic and polar, at codon 944 of the ZNF423 protein (p.Gly944Arg).

NM_001379286.1(ZNF423):c.2854G>A (p.Gly952Arg)

Gene: ZNF423 (zinc finger protein 423; minus strand). Cytogenetic location: 16q12.1.
Variant type: single nucleotide variant.
Coding change: c.2854G>A on transcript NM_001379286.1 (MANE Select); coding-DNA position 2854, G replaced by A.
Protein change: p.Gly952Arg; replaces glycine 952 with arginine.
Molecular consequence: missense variant.
Genome position (GRCh38, 1-based): chr16:49,636,322, C>T on the plus strand (G>A on the coding strand, the complement: ZNF423 is on the minus strand). VCF-style: chr16-49636322-C-T. GRCh37 (hg19) VCF-style: chr16-49670233-C-T.
Other names: c.2650G>A, p.Gly884Arg (NM_001271620.2); c.2479G>A, p.Gly827Arg (NM_001330533.2); c.2830G>A, p.Gly944Arg (NM_015069.5); short protein forms G952R, G884R, G944R, G827R.
Identifiers: ClinVar variation 2015552 (VCV002015552.4), dbSNP rs1246652964, ClinGen allele CA395841231.